The following is an entry in ClinVar:

ClinVar aggregate classification (germline): Uncertain significance. Review status: criteria provided, multiple submitters, no conflicts (2 of 4 stars). 2 submissions from 2 submitters: Uncertain significance (2). Last evaluated 2025-09-15.

Allele frequency attached by ClinVar (database versions not stated): gnomAD exomes below 0.00001 and 0.00001; TOPMed 0.00002; gnomAD 0.00001.
gnomAD v4.1: 3 of 1,209,290 alleles (0.00025%); highest among the groups gnomAD compares: Non-Finnish European, 0.00022%; no homozygotes.

Submissions (2):

Labcorp Genetics (formerly Invitae), Labcorp
Classification: Uncertain significance. Last evaluated: 2025-09-15. Review status: criteria provided, single submitter. Criteria: Invitae Variant Classification Sherloc (09022015). Collection method: clinical testing. Allele origin: germline.
Comment: This sequence change replaces glutamic acid, which is acidic and polar, with glutamine, which is neutral and polar, at codon 495 of the ABCB7 protein (p.Glu495Gln). This variant is present in population databases (no rsID available, gnomAD 0.001%). This variant has not been reported in the literature in individuals affected with ABCB7-related conditions. ClinVar contains an entry for this variant (Variation ID: 213982). An algorithm developed to predict the effect of missense changes on protein structure and function (PolyPhen-2) suggests that this variant is likely to be disruptive. Algorithms developed to predict the effect of sequence changes on RNA splicing suggest that this variant may disrupt the consensus splice site. In summary, the available evidence is currently insufficient to determine the role of this variant in disease. Therefore, it has been classified as a Variant of Uncertain Significance.

GeneDx
Classification: Uncertain significance. Last evaluated: 2014-04-07. Review status: criteria provided, single submitter. Criteria: GeneDx Variant Classification (06012015). Collection method: clinical testing. Allele origin: germline. Affected: yes.
Comment: p.Glu495Gln (GAA>CAA): c.1483 G>C in exon 11 of the ABCB7 gene (NM_004299.3). The E495Q variant has not been published as a mutation, nor has it been reported as a benign polymorphism to our knowledge. The E495Q variant was not observed in approximately 6500 individuals of European and African American ancestry in the NHLBI Exome Sequencing Project, indicating it is not a common benign variant in these populations. The E495Q variant is a semi-conservative amino acid substitution, which may impact secondary protein structure as these residues differ in some properties. This substitution occurs at a position that is conserved across species. In silico analysis is inconsistent in its predictions as to whether or not the variant is damaging to the protein structure/function. Therefore, based on the currently available information, it is unclear whether this variant is a pathogenic mutation or a rare benign variant. The variant is found in MITONUC-MITOP panel(s).

NM_001271696.3(ABCB7):c.1480G>C (p.Glu494Gln)

Gene: ABCB7 (ATP binding cassette subfamily B member 7; minus strand). Cytogenetic location: Xq13.3.
Variant type: single nucleotide variant.
Coding change: c.1480G>C on transcript NM_001271696.3 (MANE Select); coding-DNA position 1480, G replaced by C.
Protein change: p.Glu494Gln; replaces glutamic acid 494 with glutamine.
Molecular consequence: missense variant.
Genome position (GRCh38, 1-based): chrX:75,069,340, C>G on the plus strand (G>C on the coding strand, the complement: ABCB7 is on the minus strand). VCF-style: chrX-75069340-C-G. GRCh37 (hg19) VCF-style: chrX-74289175-C-G.
Other names: p.E495Q:GAA>CAA; c.1360G>C, p.Glu454Gln (NM_001271697.3); c.1402G>C, p.Glu468Gln (NM_001271698.3); c.1363G>C, p.Glu455Gln (NM_001271699.3); c.1483G>C, p.Glu495Gln (NM_004299.6); short protein forms E495Q, E494Q, E454Q, E455Q, E468Q.
Identifiers: ClinVar variation 213982 (VCV000213982.3), dbSNP rs863223868, ClinGen allele CA323775.